The following is an entry in ClinVar:

NM_005448.2(BMP15):c.986G>A (p.Arg329His)

Gene: BMP15 (bone morphogenetic protein 15; plus strand). Cytogenetic location: Xp11.22.
Variant type: single nucleotide variant.
Coding change: c.986G>A on transcript NM_005448.2 (MANE Select); coding-DNA position 986, G replaced by A.
Protein change: p.Arg329His; replaces arginine 329 with histidine.
Molecular consequence: missense variant.
Genome position (GRCh38, 1-based): chrX:50,916,414, G>A. VCF-style: chrX-50916414-G-A. GRCh37 (hg19) VCF-style: chrX-50659414-G-A.
Other names: short protein forms R329H.
Identifiers: ClinVar variation 1310097 (VCV001310097.2), dbSNP rs782306478, ClinGen allele CA329809806.

ClinVar aggregate classification (germline): Uncertain significance (1 of 4 stars; one submission).

Allele frequency attached by ClinVar (database versions not stated): gnomAD exomes 0.00001 and 0.00003; TOPMed 0.00002.
gnomAD v4.1: 33 of 1,208,955 alleles (0.0027%); highest among the groups gnomAD compares: Non-Finnish European, 0.0034%; no homozygotes.

Submission:

GeneDx
Classification: Uncertain significance. Last evaluated: 2019-11-19. Review status: criteria provided, single submitter. Criteria: GeneDx Variant Classification Process June 2021. Collection method: clinical testing. Allele origin: germline. Affected: yes.
Comment: Not observed at a significant frequency in large population cohorts (Lek et al., 2016); Published functional studies suggest a damaging effect (significant decrease of BMP15 activity) (Patino et al., 2017); In silico analysis, which includes protein predictors and evolutionary conservation, supports that this variant does not alter protein structure/function; This variant is associated with the following publications: (PMID: 28359091)